The following is an entry in ClinVar:

NM_014855.3(AP5Z1):c.2197C>G (p.Pro733Ala)

Gene: AP5Z1 (adaptor related protein complex 5 subunit zeta 1; plus strand). Cytogenetic location: 7p22.1.
Variant type: single nucleotide variant.
Coding change: c.2197C>G on transcript NM_014855.3 (MANE Select); coding-DNA position 2197, C replaced by G.
Protein change: p.Pro733Ala; replaces proline 733 with alanine.
Molecular consequence: missense variant. On other transcripts: non-coding transcript variant (1).
Genome position (GRCh38, 1-based): chr7:4,791,158, C>G. VCF-style: chr7-4791158-C-G. GRCh37 (hg19) VCF-style: chr7-4830789-C-G.
Other names: c.2197C>G, p.Pro733Ala (LRG_1247t1); c.1729C>G, p.Pro577Ala (NM_001364858.1); short protein forms P733A, P577A.
Identifiers: ClinVar variation 576445 (VCV000576445.9), dbSNP rs764991282, ClinGen allele CA4138373.
Genomic context (GRCh38, chr7:4,791,158, plus strand): 5'-GGACCTTCTTTCCCCAGGGCCTCTTTATTGCTGTCAAAGATGAGGACCCTGGCTCACAGT[C>G]CAGCCACCAGCTCCACGCACAGCGAGGAGGGCGCGGAAGCCATCCGTACCCGGGCCACAG-3'
Protein context (NP_055670.1, residues 723-743): LSKMRTLAHS[Pro733Ala]ATSSTHSEEG

ClinVar aggregate classification (germline): Uncertain significance. Review status: criteria provided, multiple submitters, no conflicts (2 of 4 stars). 2 submissions from 2 submitters: Uncertain significance (2). Last evaluated 2025-11-20.

Conditions:
Inborn genetic diseases. Identifiers: MedGen C0950123, MeSH D030342.
Hereditary spastic paraplegia 48. Also called: Spastic paraplegia 48; SPASTIC PARAPLEGIA 48, AUTOSOMAL RECESSIVE. Identifiers: Orphanet 306511, MedGen C3150901, MONDO:0013342, OMIM 613647.

Allele frequency attached by ClinVar (database versions not stated): gnomAD 0.00003 and 0.00004; TOPMed 0.00006.

Submissions (2):

Ambry Genetics
Classification: Uncertain significance for Inborn genetic diseases. Last evaluated: 2025-11-20. Review status: criteria provided, single submitter. Criteria: Ambry Variant Classification Scheme 2023. Collection method: clinical testing. Allele origin: germline.

Labcorp Genetics (formerly Invitae), Labcorp
Classification: Uncertain significance for Hereditary spastic paraplegia 48. Last evaluated: 2025-03-03. Review status: criteria provided, single submitter. Criteria: Invitae Variant Classification Sherloc (09022015). Collection method: clinical testing. Allele origin: germline.
Comment: This sequence change replaces proline, which is neutral and non-polar, with alanine, which is neutral and non-polar, at codon 733 of the AP5Z1 protein (p.Pro733Ala). This variant is present in population databases (rs764991282, gnomAD 0.007%). This variant has not been reported in the literature in individuals affected with AP5Z1-related conditions. ClinVar contains an entry for this variant (Variation ID: 576445). Invitae Evidence Modeling of protein sequence and biophysical properties (such as structural, functional, and spatial information, amino acid conservation, physicochemical variation, residue mobility, and thermodynamic stability) indicates that this missense variant is not expected to disrupt AP5Z1 protein function with a negative predictive value of 80%. In summary, the available evidence is currently insufficient to determine the role of this variant in disease. Therefore, it has been classified as a Variant of Uncertain Significance.